The following is an entry in ClinVar:

ClinVar aggregate classification (germline): Benign. Review status: criteria provided, multiple submitters, no conflicts (2 of 4 stars). 2 submissions from 2 submitters: Benign (2). Last evaluated 2018-01-13.

Conditions:
Hereditary spastic paraplegia 4. Also called: Spastic paraplegia 4, autosomal dominant; Spastic Paraplegia 4; Familial spastic paraplegia autosomal dominant 2. Identifiers: Orphanet 100985, MedGen C1866855, MONDO:0008438, OMIM 182601.

Allele frequency attached by ClinVar (database versions not stated): gnomAD 0.27143 and 0.27972; TOPMed 0.27701; 1000 Genomes Project 0.33786.

Submissions (2):

Illumina Laboratory Services, Illumina
Classification: Benign for Hereditary spastic paraplegia 4. Last evaluated: 2018-01-13. Review status: criteria provided, single submitter. Criteria: ICSL Variant Classification Criteria 13 December 2019. Collection method: clinical testing. Allele origin: germline.
Comment: This variant was observed in the ICSL laboratory as part of a predisposition screen in an ostensibly healthy population. It had not been previously curated by ICSL or reported in the Human Gene Mutation Database (HGMD: prior to June 1st, 2018), and was therefore a candidate for classification through an automated scoring system. Utilizing variant allele frequency, disease prevalence and penetrance estimates, and inheritance mode, an automated score was calculated to assess if this variant is too frequent to cause the disease. Based on the score and internal cut-off values, a variant classified as benign is not then subjected to further curation. The score for this variant resulted in a classification of benign for this disease.

Breakthrough Genomics
Classification: Benign. Review status: criteria provided, single submitter. Criteria: ACMG Guidelines, 2015. Collection method: not provided. Allele origin: germline. Inheritance: Autosomal dominant inheritance. Affected: yes.

NM_014946.4(SPAST):c.*1545T>G

Gene: SPAST (spastin; plus strand). Cytogenetic location: 2p22.3.
Variant type: single nucleotide variant.
Coding change: c.*1545T>G on transcript NM_014946.4 (MANE Select); 1545 bases downstream of the stop codon, T replaced by G.
Molecular consequence: 3 prime UTR variant.
Genome position (GRCh38, 1-based): chr2:32,156,041, T>G. VCF-style: chr2-32156041-T-G. GRCh37 (hg19) VCF-style: chr2-32381110-T-G.
Other names: c.*1545T>G (NM_001363823.2, NM_001363875.2, NM_199436.2); c.*1669T>G (NM_001377959.1).
Identifiers: ClinVar variation 335865 (VCV000335865.6), dbSNP rs9789593, ClinGen allele CA10615338.